The following is an entry in ClinVar:

NM_004438.5(EPHA4):c.1922A>G (p.Lys641Arg)

Gene: EPHA4 (EPH receptor A4; minus strand). Cytogenetic location: 2q36.1.
Variant type: single nucleotide variant.
Coding change: c.1922A>G on transcript NM_004438.5 (MANE Select); coding-DNA position 1922, A replaced by G.
Protein change: p.Lys641Arg; replaces lysine 641 with arginine.
Molecular consequence: missense variant.
Genome position (GRCh38, 1-based): chr2:221,442,981, T>C on the plus strand (A>G on the coding strand, the complement: EPHA4 is on the minus strand). VCF-style: chr2-221442981-T-C. GRCh37 (hg19) VCF-style: chr2-222307701-T-C.
Other names: c.1922A>G, p.Lys641Arg (NM_001304536.2, NM_001363748.2); c.1769A>G, p.Lys590Arg (NM_001304537.2); short protein forms K641R, K590R.
Identifiers: ClinVar variation 4697019 (VCV004697019.1).

ClinVar aggregate classification (germline): Uncertain significance (1 of 4 stars; one submission).

Submission:

Labcorp Genetics (formerly Invitae), Labcorp
Classification: Uncertain significance. Last evaluated: 2025-10-14. Review status: criteria provided, single submitter. Criteria: Invitae Variant Classification Sherloc (09022015). Collection method: clinical testing. Allele origin: germline.
Comment: This sequence change replaces lysine, which is basic and polar, with arginine, which is basic and polar, at codon 641 of the EPHA4 protein (p.Lys641Arg). This variant is not present in population databases (gnomAD no frequency). This variant has not been reported in the literature in individuals affected with EPHA4-related conditions. Invitae Evidence Modeling of protein sequence and biophysical properties (such as structural, functional, and spatial information, amino acid conservation, physicochemical variation, residue mobility, and thermodynamic stability) indicates that this missense variant is not expected to disrupt EPHA4 protein function with a negative predictive value of 80%. In summary, the available evidence is currently insufficient to determine the role of this variant in disease. Therefore, it has been classified as a Variant of Uncertain Significance.